The following is an entry in ClinVar:

NM_138691.3(TMC1):c.1662_1663del (p.Asn554fs)

Gene: TMC1 (transmembrane channel like 1; plus strand). Cytogenetic location: 9q21.13.
Variant type: Deletion.
Coding change: c.1662_1663del on transcript NM_138691.3 (MANE Select); coding-DNA positions 1662 to 1663, 2 bases deleted (TT; older notation c.1662_1663delTT).
Protein change: p.Asn554fs; shifts the reading frame from asparagine 554.
Molecular consequence: frameshift variant.
Genome position (GRCh38, 1-based): chr9:72,805,477-72,805,478, TT deleted. VCF-style (leftmost placement, unchanged base first): chr9-72805476-ATT-A. GRCh37 (hg19) VCF-style: chr9-75420392-ATT-A.
Other names: short protein forms N554fs.
Identifiers: ClinVar variation 3601893 (VCV003601893.1).

ClinVar aggregate classification (germline): Pathogenic (1 of 4 stars; one submission).

Conditions:
Autosomal recessive nonsyndromic hearing loss 7. Also called: DEAFNESS, AUTOSOMAL RECESSIVE 11. Identifiers: Orphanet 90636, MedGen C1832978, MONDO:0010967, OMIM 600974.

Submission:

Institute of Rare Diseases, West China Hospital, Sichuan University
Classification: Pathogenic for Autosomal recessive nonsyndromic hearing loss 7. Last evaluated: 2025-01-09. Review status: criteria provided, single submitter. Criteria: ClinGen HL ACMG Specifications v1. Collection method: research. Allele origin: germline. Affected: yes.
Comment: PVS1;PM3;PM2_Supporting